The following is an entry in ClinVar:

NM_000494.4(COL17A1):c.3223_3224dup (p.Leu1077fs)

Gene: COL17A1 (collagen type XVII alpha 1 chain; minus strand). Cytogenetic location: 10q25.1.
Variant type: Microsatellite.
Coding change: c.3223_3224dup on transcript NM_000494.4 (MANE Select); coding-DNA positions 3223 to 3224, 2 bases duplicated (GT; older notation c.3223_3224dupGT).
Protein change: p.Leu1077fs; shifts the reading frame from leucine 1077.
Molecular consequence: frameshift variant.
Genome position (GRCh38, 1-based): chr10:104,037,098-104,037,099, AC duplicated on the plus strand (GT on the coding strand, the reverse complement: COL17A1 is on the minus strand); duplicating any 2 consecutive bases within chr10:104,037,098-104,037,101 gives the same sequence; the c. name uses the placement nearest the transcript's 3' end. VCF-style (leftmost placement, unchanged base first): chr10-104037097-G-GAC. GRCh37 (hg19) VCF-style: chr10-105796855-G-GAC.
Other names: short protein forms L1077fs.
Identifiers: ClinVar variation 2821538 (VCV002821538.3), dbSNP rs2493288385, ClinGen allele CA2610799802.

ClinVar aggregate classification (germline): Pathogenic (1 of 4 stars; one submission).

Submission:

Labcorp Genetics (formerly Invitae), Labcorp
Classification: Pathogenic. Last evaluated: 2023-04-06. Review status: criteria provided, single submitter. Criteria: Invitae Variant Classification Sherloc (09022015). Collection method: clinical testing. Allele origin: germline.
Comment: This variant has not been reported in the literature in individuals affected with COL17A1-related conditions. This variant is not present in population databases (gnomAD no frequency). This sequence change creates a premature translational stop signal (p.Leu1077Alafs*29) in the COL17A1 gene. It is expected to result in an absent or disrupted protein product. Loss-of-function variants in COL17A1 are known to be pathogenic (PMID: 16473856, 17344927, 20301304, 21357940, 24319098). For these reasons, this variant has been classified as Pathogenic.

Literature cited by the submitters: PubMed 16473856; PubMed 17344927; PubMed 20301304; PubMed 21357940; PubMed 24319098.